The following is an entry in ClinVar:

NM_012208.4(HARS2):c.185G>T (p.Gly62Val)

Gene: HARS2 (histidyl-tRNA synthetase 2, mitochondrial; plus strand). Cytogenetic location: 5q31.3.
Variant type: single nucleotide variant.
Coding change: c.185G>T on transcript NM_012208.4 (MANE Select); coding-DNA position 185, G replaced by T.
Protein change: p.Gly62Val; replaces glycine 62 with valine.
Molecular consequence: missense variant. On other transcripts: 5 prime UTR variant (2).
Genome position (GRCh38, 1-based): chr5:140,693,936, G>T. VCF-style: chr5-140693936-G-T. GRCh37 (hg19) VCF-style: chr5-140073521-G-T.
Other names: c.110G>T, p.Gly37Val (NM_001278731.2); c.-26G>T (NM_001278732.2, NM_001363536.2); c.203G>T, p.Gly68Val (NM_001363535.2); short protein forms G37V, G62V, G68V.
Identifiers: ClinVar variation 4082673 (VCV004082673.2).

ClinVar aggregate classification (germline): Uncertain significance (1 of 4 stars; one submission).

Submission:

GeneDx
Classification: Uncertain significance. Last evaluated: 2026-03-03. Review status: criteria provided, single submitter. Criteria: GeneDx Variant Classification Process June 2021. Collection method: clinical testing. Allele origin: germline.
Comment: Not observed at significant frequency in large population cohorts (gnomAD); In silico analysis supports that this missense variant has a deleterious effect on protein structure/function; Has not been previously published as pathogenic or benign to our knowledge